The following is an entry in ClinVar:

NM_005015.5(OXA1L):c.*5T>C

Gene: OXA1L (OXA1L mitochondrial inner membrane insertase; plus strand). Cytogenetic location: 14q11.2.
Variant type: single nucleotide variant.
Coding change: c.*5T>C on transcript NM_005015.5 (MANE Select); 5 bases downstream of the stop codon, T replaced by C.
Molecular consequence: 3 prime UTR variant.
Genome position (GRCh38, 1-based): chr14:22,771,563, T>C. VCF-style: chr14-22771563-T-C. GRCh37 (hg19) VCF-style: chr14-23240772-T-C.
Identifiers: ClinVar variation 3045129 (VCV003045129.2), dbSNP rs540266205, ClinGen allele CA7104307.

ClinVar aggregate classification (germline): Likely benign (0 of 4 stars; one submission).

Conditions:
OXA1L-related disorder. Also called: OXA1L-related condition.

Allele frequency attached by ClinVar (database versions not stated): TOPMed 0.00001; gnomAD 0.00007; ExAC 0.00017; 1000 Genomes Project 0.00020; 1000 Genomes Project 30x 0.00031.
gnomAD v4.1: 162 of 1,614,248 alleles (0.01%); highest among the groups gnomAD compares: South Asian, 0.14%; 2 homozygotes.

Submission:

PreventionGenetics, part of Exact Sciences
Classification: Likely benign for OXA1L-related condition. Last evaluated: 2022-12-28. Review status: no assertion criteria provided. Collection method: clinical testing. Allele origin: germline.
Comment: This variant is classified as likely benign based on ACMG/AMP sequence variant interpretation guidelines (Richards et al. 2015 PMID: 25741868, with internal and published modifications).